The following is an entry in ClinVar:

ClinVar aggregate classification (germline): Uncertain significance (1 of 4 stars; one submission).

Conditions:
Progressive myoclonic epilepsy type 8. Identifiers: Orphanet 424027, MedGen C5190825, MONDO:0014545, OMIM 616230.

Allele frequency attached by ClinVar (database versions not stated): gnomAD exomes below 0.00001.
gnomAD v4.1: 2 of 1,589,224 alleles (0.00013%); highest among the groups gnomAD compares: East Asian, 0.0045%; no homozygotes.

Submission:

Labcorp Genetics (formerly Invitae), Labcorp
Classification: Uncertain significance for Progressive myoclonic epilepsy type 8. Last evaluated: 2020-09-01. Review status: criteria provided, single submitter. Criteria: Invitae Variant Classification Sherloc (09022015). Collection method: clinical testing. Allele origin: germline.
Comment: In summary, the available evidence is currently insufficient to determine the role of this variant in disease. Therefore, it has been classified as a Variant of Uncertain Significance. Algorithms developed to predict the effect of missense changes on protein structure and function are either unavailable or do not agree on the potential impact of this missense change (SIFT: "Deleterious"; PolyPhen-2: "Benign"; Align-GVGD: "Class C0"). This variant has not been reported in the literature in individuals with CERS1-related conditions. This variant is not present in population databases (ExAC no frequency). This sequence change replaces isoleucine with threonine at codon 203 of the CERS1 protein (p.Ile203Thr). The isoleucine residue is moderately conserved and there is a moderate physicochemical difference between isoleucine and threonine.

NM_021267.5(CERS1):c.608T>C (p.Ile203Thr)

Genes: CERS1 (ceramide synthase 1; minus strand), GDF1 (growth differentiation factor 1; minus strand). Cytogenetic location: 19p13.11.
Variant type: single nucleotide variant.
Coding change: c.608T>C on transcript NM_021267.5 (MANE Select); coding-DNA position 608, T replaced by C.
Protein change: p.Ile203Thr; replaces isoleucine 203 with threonine.
Molecular consequence: missense variant. On other transcripts: 5 prime UTR variant (1), intron variant (2).
Genome position (GRCh38, 1-based): chr19:18,880,418, A>G on the plus strand (T>C on the coding strand, the complement: CERS1 is on the minus strand). VCF-style: chr19-18880418-A-G. GRCh37 (hg19) VCF-style: chr19-18991227-A-G.
Other names: c.314T>C, p.Ile105Thr (NM_001290265.2, NM_001387442.1, NM_001387443.1 and 2 more transcripts); c.608T>C, p.Ile203Thr (NM_001387439.1, NM_001387440.1, NM_198207.3); c.-715T>C (NM_001492.6); c.591-28T>C (NM_001387441.1); c.-313+3669T>C (NM_001387438.1); short protein forms I105T, I203T.
Identifiers: ClinVar variation 1018476 (VCV001018476.8), dbSNP rs1314252199, ClinGen allele CA404866641.